The following is an entry in ClinVar:

ClinVar aggregate classification (germline): Uncertain significance (1 of 4 stars; one submission).

Conditions:
MMP21-related disorder. Also called: MMP21-related condition.

gnomAD v4.1: 29 of 1,614,074 alleles (0.0018%); highest among the groups gnomAD compares: Non-Finnish European, 0.0025%; no homozygotes.

Submission:

PreventionGenetics, part of Exact Sciences
Classification: Uncertain significance for MMP21-related condition. Last evaluated: 2026-05-01. Review status: criteria provided, single submitter. Criteria: ACMG Guidelines, 2015. Collection method: clinical testing. Allele origin: germline.
Comment: The MMP21 c.903G>A variant is predicted to result in the amino acid substitution p.Met301Ile. This variant has been reported in the homozygous state in two unrelated individuals with heterotaxy syndrome (Spedicati et al. 2022. PubMed ID: 36360260; Pasquetti et al. 2025. PubMed ID: 39858609). This variant is reported in 0.0035% of alleles in individuals of European (Non-Finnish) descent in gnomAD. Although we suspect that this variant may be pathogenic, at this time, the clinical significance of this variant is uncertain due to the absence of conclusive functional and genetic evidence.

NM_147191.1(MMP21):c.903G>A (p.Met301Ile)

Gene: MMP21 (matrix metallopeptidase 21; minus strand). Cytogenetic location: 10q26.2.
Variant type: single nucleotide variant.
Coding change: c.903G>A on transcript NM_147191.1 (MANE Select); coding-DNA position 903, G replaced by A.
Protein change: p.Met301Ile; replaces methionine 301 with isoleucine.
Molecular consequence: missense variant.
Genome position (GRCh38, 1-based): chr10:125,772,294, C>T on the plus strand (G>A on the coding strand, the complement: MMP21 is on the minus strand). VCF-style: chr10-125772294-C-T. GRCh37 (hg19) VCF-style: chr10-127460863-C-T.
Other names: short protein forms M301I.
Identifiers: ClinVar variation 4983369 (VCV004983369.1).